The following is an entry in ClinVar:

ClinVar aggregate classification (germline): Pathogenic/Likely pathogenic. Review status: criteria provided, multiple submitters, no conflicts (2 of 4 stars). 3 submissions from 3 submitters: Pathogenic (2); Likely pathogenic (1). Last evaluated 2025-09-24.

Conditions:
Cole-Carpenter syndrome 2 (CLCRP2). Identifiers: Orphanet 2050, MedGen C4225382, MONDO:0014573, OMIM 616294.
SEC24D-related disorder. Also called: SEC24D-related condition.

Allele frequency attached by ClinVar (database versions not stated): gnomAD exomes 0.00001; TOPMed 0.00001; gnomAD 0.00002.

Submissions (3):

Variantyx, Inc.
Classification: Pathogenic for Cole-Carpenter syndrome 2. Last evaluated: 2025-09-24. Review status: criteria provided, single submitter. Criteria: Variantyx Assertion Criteria 2022. Collection method: clinical testing. Allele origin: germline. Inheritance: Autosomal recessive inheritance. Affected: yes.
Comment: This is a frameshift variant in the SEC24D gene (OMIM: 607186). Pathogenic variants in this gene have been associated with autosomal recessive Cole-Carpenter syndrome 2. This variant introduces a premature termination codon in exon 4 out of 23 and is expected to result in loss of function, which is a known disease mechanism for SEC24D in this disorder (PMID: 25683121, 26467156) (PVS1). This variant has a 0.0024% maximum allele frequency in non-founder control populations (PM2). The clinical symptoms reported for this individual are highly specific for autosomal recessive Cole-Carpenter syndrome 2, which has a limited genetic etiology (PP4). Based on the current evidence, this variant is classified as pathogenic for autosomal recessive Cole-Carpenter syndrome 2.

Labcorp Genetics (formerly Invitae), Labcorp
Classification: Pathogenic. Last evaluated: 2023-10-22. Review status: criteria provided, single submitter. Criteria: Invitae Variant Classification Sherloc (09022015). Collection method: clinical testing. Allele origin: germline.
Comment: This sequence change creates a premature translational stop signal (p.Val90Serfs*181) in the SEC24D gene. It is expected to result in an absent or disrupted protein product. Loss-of-function variants in SEC24D are known to be pathogenic (PMID: 25683121, 30462379). This variant is not present in population databases (gnomAD no frequency). This variant has not been reported in the literature in individuals affected with SEC24D-related conditions. ClinVar contains an entry for this variant (Variation ID: 2072182). For these reasons, this variant has been classified as Pathogenic.

Blueprint Genetics
Classification: Likely pathogenic for SEC24D-related disorders. Last evaluated: 2023-03-03. Review status: criteria provided, single submitter. Criteria: ACMG Guidelines, 2015. Collection method: clinical testing. Allele origin: germline. Affected: yes. Observed: 2 variant alleles.

Literature cited by the submitters: PubMed 25683121 (cited by Variantyx, Inc. and Labcorp Genetics (formerly Invitae), Labcorp); PubMed 26467156 (cited by Variantyx, Inc.); PubMed 30462379 (cited by Labcorp Genetics (formerly Invitae), Labcorp).

NM_014822.4(SEC24D):c.267del (p.Val90fs)

Gene: SEC24D (SEC24 homolog D, COPII component; minus strand). Cytogenetic location: 4q26.
Variant type: Deletion.
Coding change: c.267del on transcript NM_014822.4 (MANE Select); coding-DNA position 267, one base deleted (T; older notation c.267delT).
Protein change: p.Val90fs; shifts the reading frame from valine 90.
Molecular consequence: frameshift variant.
Genome position (GRCh38, 1-based): chr4:118,817,394, A deleted on the plus strand (T on the coding strand, the reverse complement: SEC24D is on the minus strand). VCF-style (leftmost placement, unchanged base first): chr4-118817393-CA-C. GRCh37 (hg19) VCF-style: chr4-119738548-CA-C.
Other names: c.267del, p.Val90fs (NM_001318066.2); short protein forms V90fs.
Identifiers: ClinVar variation 2072182 (VCV002072182.5), dbSNP rs1455758932, ClinGen allele CA786104469.
Genomic context (GRCh38, chr4:118,817,393, plus strand): 5'-CTGGATAAGAAGATTGTGCAGAGGGTTGGTATGGTGCATGTGAGGATGCCACATTGTTGA[CA>C]GGTGGAGGGCCTGGAAATCTGAGAGAGGAAAACAGGATGTCAAACAATATCACAGCGTCT-3'